The following is an entry in ClinVar:

NM_000814.6(GABRB3):c.982A>T (p.Asn328Tyr)

Gene: GABRB3 (gamma-aminobutyric acid type A receptor subunit beta3; minus strand). Cytogenetic location: 15q12.
Variant type: single nucleotide variant.
Coding change: c.982A>T on transcript NM_000814.6 (MANE Select); coding-DNA position 982, A replaced by T.
Protein change: p.Asn328Tyr; replaces asparagine 328 with tyrosine.
Molecular consequence: missense variant.
Genome position (GRCh38, 1-based): chr15:26,561,030, T>A on the plus strand (A>T on the coding strand, the complement: GABRB3 is on the minus strand). VCF-style: chr15-26561030-T-A. GRCh37 (hg19) VCF-style: chr15-26806177-T-A.
Other names: c.727A>T, p.Asn243Tyr (NM_001191320.2, NM_001278631.2); c.769A>T, p.Asn257Tyr (NM_001191321.3); c.982A>T, p.Asn328Tyr (NM_021912.5); short protein forms N243Y, N257Y, N328Y.
Identifiers: ClinVar variation 4819143 (VCV004819143.1).

ClinVar aggregate classification (germline): Likely pathogenic (1 of 4 stars; one submission).

Conditions:
Developmental and epileptic encephalopathy, 43 (DEE43). Also called: Epileptic encephalopathy, early infantile, 43. Identifiers: MedGen C4310712, MONDO:0014921, OMIM 617113.

Submission:

Institute of Human Genetics, University of Leipzig Medical Center
Classification: Likely pathogenic for Developmental and epileptic encephalopathy, 43. Last evaluated: 2026-02-23. Review status: criteria provided, single submitter. Criteria: ACMG Guidelines, 2015. Collection method: clinical testing. Allele origin: unknown. Inheritance: Autosomal dominant inheritance. Affected: yes.
Comment: Criteria applied: PM5_STR,PM2,PM1_SUP,PP2,PP3